The following is an entry in ClinVar:

ClinVar aggregate classification (germline): Uncertain significance (1 of 4 stars; one submission).

Submission:

Labcorp Genetics (formerly Invitae), Labcorp
Classification: Uncertain significance. Last evaluated: 2023-07-19. Review status: criteria provided, single submitter. Criteria: Invitae Variant Classification Sherloc (09022015). Collection method: clinical testing. Allele origin: germline.
Comment: This variant, c.7708_7710del, results in the deletion of 1 amino acid(s) of the SPEG protein (p.Glu2570del), but otherwise preserves the integrity of the reading frame. This variant is present in population databases (rs757589233, gnomAD 0.007%). This variant has not been reported in the literature in individuals affected with SPEG-related conditions. Experimental studies and prediction algorithms are not available or were not evaluated, and the functional significance of this variant is currently unknown. In summary, the available evidence is currently insufficient to determine the role of this variant in disease. Therefore, it has been classified as a Variant of Uncertain Significance.

NM_005876.5(SPEG):c.7705GAG[1] (p.Glu2570del)

Genes: ASIC4-AS1 (ASIC4 antisense RNA 1; minus strand), SPEG (striated muscle enriched protein kinase; plus strand). Cytogenetic location: 2q35.
Variant type: Microsatellite.
Coding change: c.7705GAG[1] on transcript NM_005876.5 (MANE Select); one copy of the 3-base unit GAG starting at c.7705; the reference has two copies in a row; one copy, 3 bases deleted.
Protein change: p.Glu2570del; deletes glutamic acid 2570.
Molecular consequence: inframe deletion.
Genome position (GRCh38, 1-based): chr2:219,485,444-219,485,446, GAG deleted; deleting any 3 consecutive bases within chr2:219,485,439-219,485,446 gives the same sequence; the position shown is the placement nearest the transcript's 3' end. VCF-style (leftmost placement, unchanged base first): chr2-219485438-CAGG-C. GRCh37 (hg19) VCF-style: chr2-220350160-CAGG-C.
Other names: short protein forms E2570del.
Identifiers: ClinVar variation 2809434 (VCV002809434.2), dbSNP rs757589233, ClinGen allele CA2127254.